The following is an entry in ClinVar:

NM_004329.3(BMPR1A):c.1245A>T (p.Glu415Asp)

Gene: BMPR1A (bone morphogenetic protein receptor type 1A; plus strand). Cytogenetic location: 10q23.2.
Variant type: single nucleotide variant.
Coding change: c.1245A>T on transcript NM_004329.3 (MANE Select); coding-DNA position 1245, A replaced by T.
Protein change: p.Glu415Asp; replaces glutamic acid 415 with aspartic acid.
Molecular consequence: missense variant. On other transcripts: non-coding transcript variant (3).
Genome position (GRCh38, 1-based): chr10:86,921,598, A>T. VCF-style: chr10-86921598-A-T. GRCh37 (hg19) VCF-style: chr10-88681355-A-T.
Other names: c.1245A>T, p.Glu415Asp (NM_001406578.1, NM_001406579.1, NM_001406580.1 and 19 more transcripts); c.1239A>T, p.Glu413Asp (NM_001406583.1); c.1161A>T, p.Glu387Asp (NM_001406584.1, NM_001406585.1, NM_001406586.1 and 2 more transcripts); c.1320A>T, p.Glu440Asp (NM_001406559.1); c.1293A>T, p.Glu431Asp (NM_001406560.1); c.903A>T, p.Glu301Asp (NM_001406589.1); short protein forms E301D, E431D, E387D, E413D, E415D, E440D.
Identifiers: ClinVar variation 3992027 (VCV003992027.1).

ClinVar aggregate classification (germline): Uncertain significance (1 of 4 stars; one submission).

Conditions:
Hereditary cancer-predisposing syndrome. Also called: Tumor predisposition; Hereditary neoplastic syndrome; Neoplastic Syndromes, Hereditary; Hereditary Cancer Syndrome. Identifiers: Orphanet 140162, MedGen C0027672, MeSH D009386, MONDO:0015356.

Submission:

Ambry Genetics
Classification: Uncertain significance for Hereditary cancer-predisposing syndrome. Last evaluated: 2025-05-09. Review status: criteria provided, single submitter. Criteria: Ambry Variant Classification Scheme 2023. Collection method: clinical testing. Allele origin: germline.
Comment: The p.E415D variant (also known as c.1245A>T), located in coding exon 9 of the BMPR1A gene, results from an A to T substitution at nucleotide position 1245. The glutamic acid at codon 415 is replaced by aspartic acid, an amino acid with highly similar properties. This amino acid position is highly conserved in available vertebrate species. In addition, the in silico prediction for this alteration is inconclusive. Based on the available evidence, the clinical significance of this variant remains unclear.